The following is an entry in ClinVar:

NM_000388.4(CASR):c.1574A>G (p.Glu525Gly)

Gene: CASR (calcium sensing receptor; plus strand). Cytogenetic location: 3q21.1.
Variant type: single nucleotide variant.
Coding change: c.1574A>G on transcript NM_000388.4 (MANE Select); coding-DNA position 1574, A replaced by G.
Protein change: p.Glu525Gly; replaces glutamic acid 525 with glycine.
Molecular consequence: missense variant.
Genome position (GRCh38, 1-based): chr3:122,276,008, A>G. VCF-style: chr3-122276008-A-G. GRCh37 (hg19) VCF-style: chr3-121994855-A-G.
Other names: c.1574A>G, p.Glu525Gly (NM_001178065.2); short protein forms E525G.
Identifiers: ClinVar variation 2930597 (VCV002930597.3), dbSNP rs200470956, ClinGen allele CA82746024.

ClinVar aggregate classification (germline): Uncertain significance (1 of 4 stars; one submission).

Conditions:
Autosomal dominant hypocalcemia 1 (HYPOC1). Also called: HYPOCALCEMIA, FAMILIAL. Identifiers: MedGen C3715128, MONDO:0011013, OMIM 601198.
Familial hypocalciuric hypercalcemia (FHH). Also called: Familial benign hypercalcemia. Identifiers: Orphanet 405, MedGen C1809471, MONDO:0018458.

Submission:

Labcorp Genetics (formerly Invitae), Labcorp
Classification: Uncertain significance for Familial hypocalciuric hypercalcemia; Autosomal dominant hypocalcemia 1. Last evaluated: 2022-11-29. Review status: criteria provided, single submitter. Criteria: Invitae Variant Classification Sherloc (09022015). Collection method: clinical testing. Allele origin: germline.
Comment: This sequence change replaces glutamic acid, which is acidic and polar, with glycine, which is neutral and non-polar, at codon 525 of the CASR protein (p.Glu525Gly). This variant is not present in population databases (gnomAD no frequency). This variant has not been reported in the literature in individuals affected with CASR-related conditions. Algorithms developed to predict the effect of missense changes on protein structure and function are either unavailable or do not agree on the potential impact of this missense change (SIFT: "Deleterious"; PolyPhen-2: "Benign"; Align-GVGD: "Class C15"). In summary, the available evidence is currently insufficient to determine the role of this variant in disease. Therefore, it has been classified as a Variant of Uncertain Significance.